The following is an entry in ClinVar:

ClinVar aggregate classification (germline): Conflicting classifications of pathogenicity. Review status: criteria provided, conflicting classifications (1 of 4 stars). 3 submissions from 3 submitters: Uncertain significance (2); Benign (1). Last evaluated 2024-06-24.

Conditions:
Retinal dystrophy. Also called: Inherited retinal dystrophy. Identifiers: Orphanet 71862, MedGen C0854723, MeSH D058499, MONDO:0019118, HP:0000556.

Allele frequency attached by ClinVar (database versions not stated): gnomAD exomes 0.00001; ExAC 0.00002.
gnomAD v4.1: 28 of 1,614,096 alleles (0.0017%); highest among the groups gnomAD compares: East Asian, 0.024%; no homozygotes.

Submissions (3):

Blueprint Genetics
Classification: Uncertain significance. Last evaluated: 2024-06-24. Review status: criteria provided, single submitter. Criteria: ACMG Guidelines, 2015. Collection method: clinical testing. Allele origin: germline.

Labcorp Genetics (formerly Invitae), Labcorp
Classification: Uncertain significance. Last evaluated: 2024-01-05. Review status: criteria provided, single submitter. Criteria: Invitae Variant Classification Sherloc (09022015). Collection method: clinical testing. Allele origin: germline.
Comment: This sequence change replaces valine, which is neutral and non-polar, with methionine, which is neutral and non-polar, at codon 831 of the PRPF6 protein (p.Val831Met). This variant is present in population databases (rs749610328, gnomAD 0.01%). This variant has not been reported in the literature in individuals affected with PRPF6-related conditions. Advanced modeling of protein sequence and biophysical properties (such as structural, functional, and spatial information, amino acid conservation, physicochemical variation, residue mobility, and thermodynamic stability) performed at Invitae indicates that this missense variant is not expected to disrupt PRPF6 protein function with a negative predictive value of 80%. In summary, the available evidence is currently insufficient to determine the role of this variant in disease. Therefore, it has been classified as a Variant of Uncertain Significance.

Dept Of Ophthalmology, Nagoya University
Classification: Benign for Retinal dystrophy. Last evaluated: 2023-10-01. Review status: criteria provided, single submitter. Criteria: Submitter's publication. Collection method: research. Allele origin: germline. Affected: yes.

NM_012469.4(PRPF6):c.2491G>A (p.Val831Met)

Gene: PRPF6 (pre-mRNA processing factor 6; plus strand). Cytogenetic location: 20q13.33.
Variant type: single nucleotide variant.
Coding change: c.2491G>A on transcript NM_012469.4 (MANE Select); coding-DNA position 2491, G replaced by A.
Protein change: p.Val831Met; replaces valine 831 with methionine.
Molecular consequence: missense variant.
Genome position (GRCh38, 1-based): chr20:64,029,436, G>A. VCF-style: chr20-64029436-G-A. GRCh37 (hg19) VCF-style: chr20-62660789-G-A.
Other names: short protein forms V831M.
Identifiers: ClinVar variation 2977792 (VCV002977792.5), dbSNP rs749610328, ClinGen allele CA9972501.